The following is an entry in ClinVar:

NM_144991.3(TSPEAR):c.634-7T>C

Gene: TSPEAR (thrombospondin type laminin G domain and EAR repeats; minus strand). Cytogenetic location: 21q22.3.
Variant type: single nucleotide variant.
Coding change: c.634-7T>C on transcript NM_144991.3 (MANE Select); 7 bases into the intron before coding-DNA position 634, T replaced by C.
Molecular consequence: intron variant.
Genome position (GRCh38, 1-based): chr21:44,529,961, A>G on the plus strand (T>C on the coding strand, the complement: TSPEAR is on the minus strand). VCF-style: chr21-44529961-A-G. GRCh37 (hg19) VCF-style: chr21-45949844-A-G.
Other names: c.430-7T>C (NM_001272037.2).
Identifiers: ClinVar variation 512045 (VCV000512045.10), dbSNP rs374768643, ClinGen allele CA321816262.

ClinVar aggregate classification (germline): Likely benign. Review status: criteria provided, multiple submitters, no conflicts (2 of 4 stars). 4 submissions from 4 submitters: Likely benign (3). 1 of the submissions does not count toward it. Last evaluated 2025-02-16.

Conditions:
TSPEAR-related disorder. Also called: TSPEAR-related condition.

Allele frequency attached by ClinVar (database versions not stated): gnomAD exomes 0.00001 and 0.00003; TOPMed 0.00002.
gnomAD v4.1: 27 of 1,583,500 alleles (0.0017%); highest among the groups gnomAD compares: East Asian, 0.009%; no homozygotes.

Submissions (4):

Labcorp Genetics (formerly Invitae), Labcorp
Classification: Likely benign. Last evaluated: 2025-02-16. Review status: criteria provided, single submitter. Criteria: Invitae Variant Classification Sherloc (09022015). Collection method: clinical testing. Allele origin: germline.

Blueprint Genetics
Classification: Likely benign. Last evaluated: 2024-11-25. Review status: criteria provided, single submitter. Criteria: ACMG Guidelines, 2015. Collection method: clinical testing. Allele origin: germline.

GeneDx
Classification: Likely benign. Last evaluated: 2021-08-26. Review status: criteria provided, single submitter. Criteria: GeneDx Variant Classification Process June 2021. Collection method: clinical testing. Allele origin: germline. Affected: yes.

PreventionGenetics, part of Exact Sciences
Classification: Likely benign for TSPEAR-related condition. Last evaluated: 2024-01-03. Review status: no assertion criteria provided. Collection method: clinical testing. Allele origin: germline. Not counted in ClinVar's aggregate classification.
Comment: This variant is classified as likely benign based on ACMG/AMP sequence variant interpretation guidelines (Richards et al. 2015 PMID: 25741868, with internal and published modifications).